The following is an entry in ClinVar:

ClinVar aggregate classification (germline): Uncertain significance (1 of 4 stars; one submission).

Allele frequency attached by ClinVar (database versions not stated): gnomAD 0.00001.
gnomAD v4.1: 5 of 1,614,022 alleles (0.00031%); highest among the groups gnomAD compares: Non-Finnish European, 0.00042%; no homozygotes.

Submission:

Ambry Genetics
Classification: Uncertain significance. Last evaluated: 2024-07-15. Review status: criteria provided, single submitter. Criteria: Ambry Variant Classification Scheme 2023. Collection method: clinical testing. Allele origin: germline.
Comment: The p.Q112K variant (also known as c.334C>A), located in coding exon 3 of the ALPK2 gene, results from a C to A substitution at nucleotide position 334. The glutamine at codon 112 is replaced by lysine, an amino acid with similar properties. This amino acid position is conserved. In addition, this alteration is predicted to be tolerated by in silico analysis. Since supporting evidence is limited at this time, the clinical significance of this alteration remains unclear.

NM_052947.4(ALPK2):c.334C>A (p.Gln112Lys)

Gene: ALPK2 (alpha kinase 2; minus strand). Cytogenetic location: 18q21.31.
Variant type: single nucleotide variant.
Coding change: c.334C>A on transcript NM_052947.4 (MANE Select); coding-DNA position 334, C replaced by A.
Protein change: p.Gln112Lys; replaces glutamine 112 with lysine.
Molecular consequence: missense variant.
Genome position (GRCh38, 1-based): chr18:58,580,442, G>T on the plus strand (C>A on the coding strand, the complement: ALPK2 is on the minus strand). VCF-style: chr18-58580442-G-T. GRCh37 (hg19) VCF-style: chr18-56247674-G-T.
Other names: short protein forms Q112K.
Identifiers: ClinVar variation 1730494 (VCV001730494.3), dbSNP rs1025115553, ClinGen allele CA300927686.